The following is an entry in ClinVar:

NM_133497.4(KCNV2):c.1007ACCTGGTGG[1] (p.Asp339_Val341del)

Gene: KCNV2 (potassium voltage-gated channel modifier subfamily V member 2; plus strand). Cytogenetic location: 9p24.2.
Variant type: Microsatellite.
Coding change: c.1007ACCTGGTGG[1] on transcript NM_133497.4 (MANE Select); one copy of the 9-base unit ACCTGGTGG starting at c.1007; the reference has two copies in a row; one copy, 9 bases deleted; also written c.1016_1024del.
Protein change: p.Asp339_Val341del.
Molecular consequence: inframe deletion.
Genome position (GRCh38, 1-based): chr9:2,718,755-2,718,763, ACCTGGTGG deleted; deleting any 9 consecutive bases within chr9:2,718,746-2,718,763 gives the same sequence; the position shown is the placement nearest the transcript's 3' end. VCF-style (leftmost placement, unchanged base first): chr9-2718745-AACCTGGTGG-A. GRCh37 (hg19) VCF-style: chr9-2718745-AACCTGGTGG-A.
Other names: c.1016_1024del (NM_133497.4); c.1016_1024del9 (NM_133497.3).
Identifiers: ClinVar variation 3013 (VCV000003013.12), dbSNP rs786205064, ClinGen allele CA115921.

ClinVar aggregate classification (germline): Conflicting classifications of pathogenicity. Review status: criteria provided, conflicting classifications (1 of 4 stars). 5 submissions from 5 submitters: Pathogenic (1); Likely pathogenic (2); Uncertain significance (1). 1 of the submissions does not count toward it. Last evaluated 2026-08-20.

Conditions:
KCNV2-related disorder. Also called: KCNV2-related condition.
Cone dystrophy with supernormal rod response (CDSRR). Also called: CONE DYSTROPHY WITH SUPERNORMAL ROD RESPONSES. Identifiers: Orphanet 209932, MedGen C1835897, MONDO:0012475, OMIM 610356.

Submissions (5):

Department of Human Genetics, University Hospital Bern, Inselspital
Classification: Likely pathogenic for Cone dystrophy with supernormal rod response. Last evaluated: 2026-08-20. Review status: criteria provided, single submitter. Criteria: ACMG Guidelines, 2015. Collection method: clinical testing. Allele origin: paternal. Affected: yes. Observed: 1 variant allele.
Comment: The variant is present in gnomAD v4.1 with an allele frequency of 0.0031% and has been reported inthe literature in patients affected by a cone dystrophy (PMID: 16909397, PMID: 21882291).

PreventionGenetics, part of Exact Sciences
Classification: Likely pathogenic for KCNV2-related condition. Last evaluated: 2026-05-04. Review status: criteria provided, single submitter. Criteria: ACMG Guidelines, 2015. Collection method: clinical testing. Allele origin: germline.
Comment: The KCNV2 c.1016_1024del9 variant is predicted to result in an in-frame deletion (p.Asp339_Val341del). This variant has been reported in the homozygous state or with a second pathogenic KCNV2 variant in at least three individuals with cone dystrophy (see for example: reported as del 1015-1024 in Wu et al. 2006. PubMed ID: 16909397; Wissinger et al. 2008. PubMed ID: 18235024; InternalData, PreventionGenetics). This variant has also been reported in individuals with retinal diseases; however, the zygosity of the variant and whether a second variant was identified in these individuals is unknown in the first individual (Table S1, Karali et al. 2022. PubMed ID: 36460718) and apparently heterozygous in the second individual (Stockman et al. 2014. PubMed ID: 24370833). This variant is present in 0.0042% of alleles in individuals of European (Finnish) descent in gnomAD. This variant is interpreted as likely pathogenic.

Blueprint Genetics
Classification: Pathogenic for KCNV2-related disorders. Last evaluated: 2024-04-11. Review status: criteria provided, single submitter. Criteria: ACMG Guidelines, 2015. Collection method: clinical testing. Allele origin: germline. Affected: yes. Observed: 5 variant alleles.

Labcorp Genetics (formerly Invitae), Labcorp
Classification: Uncertain significance. Last evaluated: 2021-03-24. Review status: criteria provided, single submitter. Criteria: Invitae Variant Classification Sherloc (09022015). Collection method: clinical testing. Allele origin: germline.
Comment: This variant, c.1016_1024del, results in the deletion of 3 amino acid(s) of the KCNV2 protein (p.Asp339_Val341del), but otherwise preserves the integrity of the reading frame. This variant is present in population databases (rs757697759, ExAC 0.003%). This variant has been observed in individual(s) with cone dystrophy with supernormal rod electroretinogram (PMID: 16909397, 18235024). This variant is also known as del 1015-1024 ACCTGGTGG in the literature. ClinVar contains an entry for this variant (Variation ID: 3013). Experimental studies and prediction algorithms are not available or were not evaluated, and the functional significance of this variant is currently unknown. In summary, the available evidence is currently insufficient to determine the role of this variant in disease. Therefore, it has been classified as a Variant of Uncertain Significance.

OMIM
Classification: drug response for CONE DYSTROPHY WITH SUPERNORMAL ROD RESPONSES. Last evaluated: 2011-12-01. Review status: no assertion criteria provided. Collection method: literature only. Allele origin: germline. Not counted in ClinVar's aggregate classification.

Literature cited by the submitters: PubMed 16909397 (cited by 3 submitters); PubMed 21882291 (cited by Department of Human Genetics, University Hospital Bern, Inselspital and OMIM); PubMed 18235024 (cited by Labcorp Genetics (formerly Invitae), Labcorp and OMIM).